The following is an entry in ClinVar:

ClinVar aggregate classification (germline): Uncertain significance (1 of 4 stars; one submission).

Submission:

Labcorp Genetics (formerly Invitae), Labcorp
Classification: Uncertain significance. Last evaluated: 2024-10-25. Review status: criteria provided, single submitter. Criteria: Invitae Variant Classification Sherloc (09022015). Collection method: clinical testing. Allele origin: germline.
Comment: This sequence change replaces glycine, which is neutral and non-polar, with arginine, which is basic and polar, at codon 1166 of the PLXNA2 protein (p.Gly1166Arg). This variant is not present in population databases (gnomAD no frequency). This variant has not been reported in the literature in individuals affected with PLXNA2-related conditions. An algorithm developed to predict the effect of missense changes on protein structure and function (PolyPhen-2) suggests that this variant is likely to be disruptive. In summary, the available evidence is currently insufficient to determine the role of this variant in disease. Therefore, it has been classified as a Variant of Uncertain Significance.

NM_025179.4(PLXNA2):c.3496G>C (p.Gly1166Arg)

Gene: PLXNA2 (plexin A2; minus strand). Cytogenetic location: 1q32.2.
Variant type: single nucleotide variant.
Coding change: c.3496G>C on transcript NM_025179.4 (MANE Select); coding-DNA position 3496, G replaced by C.
Protein change: p.Gly1166Arg; replaces glycine 1166 with arginine.
Molecular consequence: missense variant.
Genome position (GRCh38, 1-based): chr1:208,045,210, C>G on the plus strand (G>C on the coding strand, the complement: PLXNA2 is on the minus strand). VCF-style: chr1-208045210-C-G. GRCh37 (hg19) VCF-style: chr1-208218555-C-G.
Other names: short protein forms G1166R.
Identifiers: ClinVar variation 3657530 (VCV003657530.2).
Genomic context (GRCh38, chr1:208,045,210, plus strand): 5'-CGATGAGCACAGTGTAGTTGAGTTTGGCCCCTCCAGAGGCAGGAGGGCAGAGGTTTTTGC[C>G]CTGTAGAGAATAGCAGTCTTTATAGGCATAATTGACACATGCACGCACAAGTTAATTGCC-3'
Protein context (NP_079455.3, residues 1156-1176): QKPGSPIILK[Gly1166Arg]KNLCPPASGG